The following is an entry in ClinVar:

ClinVar aggregate classification (germline): Pathogenic (1 of 4 stars; one submission).

Conditions:
Joubert syndrome and related disorders. Identifiers: Orphanet 140874, MedGen C5679612, MONDO:0015369.

Submission:

Myriad Genetics, Inc.
Classification: Pathogenic for Joubert syndrome and related disorders. Last evaluated: 2024-11-02. Review status: criteria provided, single submitter. Criteria: Myriad Autosomal Dominant, Autosomal Recessive and X-Linked Classification Criteria (2023). Collection method: clinical testing. Allele origin: unknown.
Comment: NM_001080522.2(CC2D2A):c.4401_4402dupAA(R1468Kfs*17) is expected to be pathogenic in the context of CC2D2A-related disorders. This variant is predicted to lead to an abnormal or absent protein product due to the creation of a premature termination codon in CC2D2A, a gene where loss-of-function variants are known to be pathogenic. Please note: this variant was assessed in the context of healthy population screening.

NM_001378615.1(CC2D2A):c.4401_4402dup (p.Arg1468fs)

Genes: CC2D2A (coiled-coil and C2 domain containing 2A; plus strand), FBXL5 (F-box and leucine rich repeat protein 5; minus strand). Cytogenetic location: 4p15.32.
Variant type: Duplication.
Coding change: c.4401_4402dup on transcript NM_001378615.1 (MANE Select); coding-DNA positions 4401 to 4402, 2 bases duplicated (AA; older notation c.4401_4402dupAA).
Protein change: p.Arg1468fs; shifts the reading frame from arginine 1468.
Molecular consequence: frameshift variant.
Genome position (GRCh38, 1-based): chr4:15,596,171-15,596,172, AA duplicated. VCF-style (leftmost placement, unchanged base first): chr4-15596170-C-CAA. GRCh37 (hg19) VCF-style: chr4-15597793-C-CAA.
Other names: c.4401_4402dup, p.Arg1468fs (NM_001080522.2); c.4254_4255dup, p.Arg1419fs (NM_001378617.1); short protein forms R1419fs, R1468fs.
Identifiers: ClinVar variation 5013699 (VCV005013699.1).